The following is an entry in ClinVar:

NM_032119.4(ADGRV1):c.2800C>G (p.Pro934Ala)

Gene: ADGRV1 (adhesion G protein-coupled receptor V1; plus strand). Cytogenetic location: 5q14.3.
Variant type: single nucleotide variant.
Coding change: c.2800C>G on transcript NM_032119.4 (MANE Select); coding-DNA position 2800, C replaced by G.
Protein change: p.Pro934Ala; replaces proline 934 with alanine.
Molecular consequence: missense variant. On other transcripts: non-coding transcript variant (1).
Genome position (GRCh38, 1-based): chr5:90,644,771, C>G. VCF-style: chr5-90644771-C-G. GRCh37 (hg19) VCF-style: chr5-89940588-C-G.
Other names: short protein forms P934A.
Identifiers: ClinVar variation 804498 (VCV000804498.7), dbSNP rs149600158, ClinGen allele CA3339022.

ClinVar aggregate classification (germline): Conflicting classifications of pathogenicity. Review status: criteria provided, conflicting classifications (1 of 4 stars). 4 submissions from 4 submitters: Uncertain significance (3); Likely benign (1). Last evaluated 2023-12-22.

Conditions:
ADGRV1-related disorder. Also called: ADGRV1-related condition; ADGRV1-related disorders.

Allele frequency attached by ClinVar (database versions not stated): ExAC 0.00001; gnomAD exomes 0.00001.
gnomAD v4.1: 2 of 1,611,666 alleles (0.00012%); highest among the groups gnomAD compares: Non-Finnish European, 0.00017%; no homozygotes.

Submissions (4):

Labcorp Genetics (formerly Invitae), Labcorp
Classification: Likely benign. Last evaluated: 2023-12-22. Review status: criteria provided, single submitter. Criteria: Invitae Variant Classification Sherloc (09022015). Collection method: clinical testing. Allele origin: germline.

PreventionGenetics, part of Exact Sciences
Classification: Uncertain significance for ADGRV1-related condition. Last evaluated: 2022-12-16. Review status: criteria provided, single submitter. Criteria: ACMG Guidelines, 2015. Collection method: clinical testing. Allele origin: germline.
Comment: The ADGRV1 c.2800C>G variant is predicted to result in the amino acid substitution p.Pro934Ala. This variant was reported in an individual with Uveitis (Li et al 2020. PubMed ID: 32707200). This variant is reported in 0.00089% of alleles in individuals of European (Non-Finnish) descent in gnomAD. At this time, the clinical significance of this variant is uncertain due to the absence of conclusive functional and genetic evidence.

Blueprint Genetics
Classification: Uncertain significance. Last evaluated: 2021-03-24. Review status: criteria provided, single submitter. Criteria: ACMG Guidelines, 2015. Collection method: clinical testing. Allele origin: germline.

Athena Diagnostics
Classification: Uncertain significance. Last evaluated: 2019-05-06. Review status: criteria provided, single submitter. Criteria: Athena Diagnostics Criteria. Collection method: clinical testing. Allele origin: germline.